The following is an entry in ClinVar:

NM_144997.7(FLCN):c.647C>T (p.Pro216Leu)

Gene: FLCN (folliculin; minus strand). Cytogenetic location: 17p11.2.
Variant type: single nucleotide variant.
Coding change: c.647C>T on transcript NM_144997.7 (MANE Select); coding-DNA position 647, C replaced by T.
Protein change: p.Pro216Leu; replaces proline 216 with leucine.
Molecular consequence: missense variant.
Genome position (GRCh38, 1-based): chr17:17,222,633, G>A on the plus strand (C>T on the coding strand, the complement: FLCN is on the minus strand). VCF-style: chr17-17222633-G-A. GRCh37 (hg19) VCF-style: chr17-17125947-G-A.
Other names: c.701C>T, p.Pro234Leu (NM_001353229.2); c.647C>T, p.Pro216Leu (NM_001353230.2, NM_001353231.2, NM_144606.7); short protein forms P216L, P234L.
Identifiers: ClinVar variation 1753744 (VCV001753744.8), dbSNP rs2544235198, ClinGen allele CA398534092.

ClinVar aggregate classification (germline): Uncertain significance. Review status: criteria provided, multiple submitters, no conflicts (2 of 4 stars). 2 submissions from 2 submitters: Uncertain significance (2). Last evaluated 2024-12-16.

Conditions:
Hereditary cancer-predisposing syndrome. Also called: Neoplastic Syndromes, Hereditary; Tumor predisposition; Hereditary neoplastic syndrome; Hereditary Cancer Syndrome. Identifiers: Orphanet 140162, MedGen C0027672, MeSH D009386, MONDO:0015356.
Birt-Hogg-Dube syndrome. Also called: Birt Hogg Dubé syndrome. Identifiers: Orphanet 122, MedGen C0346010, MONDO:0800444.

Submissions (2):

Ambry Genetics
Classification: Uncertain significance for Hereditary cancer-predisposing syndrome. Last evaluated: 2024-12-16. Review status: criteria provided, single submitter. Criteria: Ambry Variant Classification Scheme 2023. Collection method: clinical testing. Allele origin: germline.
Comment: The p.P216L variant (also known as c.647C>T), located in coding exon 4 of the FLCN gene, results from a C to T substitution at nucleotide position 647. The proline at codon 216 is replaced by leucine, an amino acid with similar properties. This amino acid position is conserved. In addition, this alteration is predicted to be deleterious by in silico analysis. Since supporting evidence is limited at this time, the clinical significance of this alteration remains unclear.

Labcorp Genetics (formerly Invitae), Labcorp
Classification: Uncertain significance for Birt-Hogg-Dube syndrome. Last evaluated: 2022-09-12. Review status: criteria provided, single submitter. Criteria: Invitae Variant Classification Sherloc (09022015). Collection method: clinical testing. Allele origin: germline.
Comment: This sequence change replaces proline, which is neutral and non-polar, with leucine, which is neutral and non-polar, at codon 216 of the FLCN protein (p.Pro216Leu). This variant is not present in population databases (gnomAD no frequency). This variant has not been reported in the literature in individuals affected with FLCN-related conditions. Advanced modeling of protein sequence and biophysical properties (such as structural, functional, and spatial information, amino acid conservation, physicochemical variation, residue mobility, and thermodynamic stability) performed at Invitae indicates that this missense variant is not expected to disrupt FLCN protein function. In summary, the available evidence is currently insufficient to determine the role of this variant in disease. Therefore, it has been classified as a Variant of Uncertain Significance.